The following is an entry in ClinVar:

ClinVar aggregate classification (germline): Uncertain significance. Review status: criteria provided, multiple submitters, no conflicts (2 of 4 stars). 7 submissions from 7 submitters: Uncertain significance (5). 2 of the submissions do not count toward it. Last evaluated 2026-01-17.

Conditions:
ATM-related disorder. Also called: ATM-related disorders; ATM-related condition.
Hereditary cancer-predisposing syndrome. Also called: Neoplastic Syndromes, Hereditary; Hereditary Cancer Syndrome; Tumor predisposition; Hereditary neoplastic syndrome. Identifiers: Orphanet 140162, MedGen C0027672, MeSH D009386, MONDO:0015356.
Familial cancer of breast. Also called: BREAST CANCER, FAMILIAL; hereditary breast carcinoma; Hereditary breast cancer. Identifiers: Orphanet 227535, MedGen C0346153, MONDO:0016419, OMIM 114480. Disease mechanism: loss of function.
Ataxia-telangiectasia syndrome (AT). Also called: Ataxia-telangiectasia, complementation group D; AT, COMPLEMENTATION GROUP C; Ataxia-telangiectasia; ATAXIA-TELANGIECTASIA, COMPLEMENTATION GROUP A; ATAXIA-TELANGIECTASIA, FRESNO VARIANT; Ataxia-telangiectasia, complementation group E. Identifiers: Orphanet 100, MedGen C0004135, MONDO:0008840, OMIM 208900.

Allele frequency attached by ClinVar (database versions not stated): ExAC 0.00002; gnomAD exomes 0.00001.
gnomAD v4.1: 20 of 1,614,172 alleles (0.0012%); highest among the groups gnomAD compares: Non-Finnish European, 0.0017%; no homozygotes.

Submissions (7):

Labcorp Genetics (formerly Invitae), Labcorp
Classification: Uncertain significance for Ataxia-telangiectasia syndrome. Last evaluated: 2026-01-17. Review status: criteria provided, single submitter. Criteria: Invitae Variant Classification Sherloc (09022015). Collection method: clinical testing. Allele origin: germline.
Comment: This sequence change replaces leucine, which is neutral and non-polar, with valine, which is neutral and non-polar, at codon 2452 of the ATM protein (p.Leu2452Val). This variant is present in population databases (rs587779863, gnomAD 0.002%). This variant has not been reported in the literature in individuals affected with ATM-related conditions. ClinVar contains an entry for this variant (Variation ID: 127442). Invitae Evidence Modeling of protein sequence and biophysical properties (such as structural, functional, and spatial information, amino acid conservation, physicochemical variation, residue mobility, and thermodynamic stability) indicates that this missense variant is not expected to disrupt ATM protein function with a negative predictive value of 95%. RNA analysis performed to evaluate the impact of this missense change on mRNA splicing indicates it does not significantly alter splicing (internal data). In summary, the available evidence is currently insufficient to determine the role of this variant in disease. Therefore, it has been classified as a Variant of Uncertain Significance.

Color Diagnostics, LLC DBA Color Health
Classification: Uncertain significance for Hereditary cancer-predisposing syndrome. Last evaluated: 2025-06-30. Review status: criteria provided, single submitter. Criteria: ACMG Guidelines, 2015. Collection method: clinical testing. Allele origin: germline.
Comment: This missense variant replaces leucine with valine at codon 2452 of the ATM protein. Computational prediction suggests that this variant may not impact protein structure and function. To our knowledge, functional studies have not been reported for this variant. This variant has not been reported in individuals affected with hereditary cancer in the literature. This variant has been identified in 2/251270 chromosomes in the general population by the Genome Aggregation Database (gnomAD). The available evidence is insufficient to determine the role of this variant in disease conclusively. Therefore, this variant is classified as a Variant of Uncertain Significance.

Ambry Genetics
Classification: Uncertain significance for Hereditary cancer-predisposing syndrome. Last evaluated: 2025-03-25. Review status: criteria provided, single submitter. Criteria: Ambry Variant Classification Scheme 2023. Collection method: clinical testing. Allele origin: germline.
Comment: The p.L2452V variant (also known as c.7354C>G), located in coding exon 49 of the ATM gene, results from a C to G substitution at nucleotide position 7354. The leucine at codon 2452 is replaced by valine, an amino acid with highly similar properties. This amino acid position is well conserved in available vertebrate species. In addition, this alteration is predicted to be tolerated by in silico analysis. Based on the available evidence, the clinical significance of this variant remains unclear.

GeneDx
Classification: Uncertain significance. Last evaluated: 2024-06-05. Review status: criteria provided, single submitter. Criteria: GeneDx Variant Classification Process June 2021. Collection method: clinical testing. Allele origin: germline. Affected: yes.
Comment: Not observed at significant frequency in large population cohorts (gnomAD); In silico analysis indicates that this missense variant does not alter protein structure/function; Has not been previously published as pathogenic or benign to our knowledge; This variant is associated with the following publications: (PMID: 25480502, 27479817, 23532176)

PreventionGenetics, part of Exact Sciences
Classification: Uncertain significance for ATM-related condition. Last evaluated: 2023-04-12. Review status: criteria provided, single submitter. Criteria: ACMG Guidelines, 2015. Collection method: clinical testing. Allele origin: germline.
Comment: The ATM c.7354C>G variant is predicted to result in the amino acid substitution p.Leu2452Val. To our knowledge, this variant has not been reported in the literature. This variant is reported in 0.0018% of alleles in individuals of European (Non-Finnish) descent in gnomAD. In ClinVar, this variant is interpreted as uncertain. At this time, the clinical significance of this variant is uncertain due to the absence of conclusive functional and genetic evidence.

Zotz-Klimas Genetics Lab, MVZ Zotz Klimas
Classification: Uncertain significance for Familial cancer of breast. Last evaluated: 2023-10-09. Review status: no assertion criteria provided. Collection method: clinical testing. Allele origin: germline. Affected: yes. Not counted in ClinVar's aggregate classification.

Natera, Inc.
Classification: Uncertain significance for Ataxia-telangiectasia. Last evaluated: 2020-01-15. Review status: no assertion criteria provided. Collection method: clinical testing. Allele origin: germline. Not counted in ClinVar's aggregate classification.

Literature cited by the submitters: PubMed 25480502 (cited by Ambry Genetics); PubMed 27479817 (cited by Ambry Genetics).

NM_000051.4(ATM):c.7354C>G (p.Leu2452Val)

Genes: ATM (ATM serine/threonine kinase; plus strand), C11orf65 (chromosome 11 open reading frame 65; minus strand). Cytogenetic location: 11q22.3.
Variant type: single nucleotide variant.
Coding change: c.7354C>G on transcript NM_000051.4 (MANE Select); coding-DNA position 7354, C replaced by G.
Protein change: p.Leu2452Val; replaces leucine 2452 with valine.
Molecular consequence: missense variant. On other transcripts: intron variant (2).
Genome position (GRCh38, 1-based): chr11:108,330,260, C>G. VCF-style: chr11-108330260-C-G. GRCh37 (hg19) VCF-style: chr11-108200987-C-G.
Other names: p.L2452V:CTG>GTG; c.7354C>G, p.Leu2452Val (NM_001351834.2); c.641-21189G>C (NM_001330368.2); c.*38+4960G>C (NM_001351110.2); short protein forms L2452V.
Identifiers: ClinVar variation 127442 (VCV000127442.38), dbSNP rs587779863, ClinGen allele CA286981.